The following is an entry in ClinVar:

ClinVar aggregate classification (germline): Uncertain significance (1 of 4 stars; one submission).

Allele frequency attached by ClinVar (database versions not stated): gnomAD exomes 0.00001; TOPMed 0.00001; gnomAD 0.00002.

Submission:

Labcorp Genetics (formerly Invitae), Labcorp
Classification: Uncertain significance. Last evaluated: 2024-11-11. Review status: criteria provided, single submitter. Criteria: Invitae Variant Classification Sherloc (09022015). Collection method: clinical testing. Allele origin: germline.
Comment: This sequence change replaces methionine, which is neutral and non-polar, with valine, which is neutral and non-polar, at codon 1140 of the ERCC6 protein (p.Met1140Val). This variant is present in population databases (rs772100335, gnomAD 0.004%). This variant has not been reported in the literature in individuals affected with ERCC6-related conditions. ClinVar contains an entry for this variant (Variation ID: 2151390). An algorithm developed to predict the effect of missense changes on protein structure and function (PolyPhen-2) suggests that this variant is likely to be tolerated. In summary, the available evidence is currently insufficient to determine the role of this variant in disease. Therefore, it has been classified as a Variant of Uncertain Significance.

NM_000124.4(ERCC6):c.3418A>G (p.Met1140Val)

Gene: ERCC6 (ERCC excision repair 6, chromatin remodeling factor; minus strand). Cytogenetic location: 10q11.23.
Variant type: single nucleotide variant.
Coding change: c.3418A>G on transcript NM_000124.4 (MANE Select); coding-DNA position 3418, A replaced by G.
Protein change: p.Met1140Val; replaces methionine 1140 with valine.
Molecular consequence: missense variant.
Genome position (GRCh38, 1-based): chr10:49,470,542, T>C on the plus strand (A>G on the coding strand, the complement: ERCC6 is on the minus strand). VCF-style: chr10-49470542-T-C. GRCh37 (hg19) VCF-style: chr10-50678588-T-C.
Other names: c.3418A>G, p.Met1140Val (NM_001346440.2); short protein forms M1140V.
Identifiers: ClinVar variation 2151390 (VCV002151390.4), dbSNP rs772100335, ClinGen allele CA206584595.
Genomic context (GRCh38, chr10:49,470,542, plus strand): 5'-GTCTTTCTCTTTTGTAAGAAAGACCTAACTTTTCATCAATGCTTTCATCACCAGATGGCA[T>C]AGAAGTTTTGCCTGTTCCTGAAGAATTTGAACATTCCCCATTTCCACTAATCACTGACAA-3'
Protein context (NP_000115.1, residues 1130-1150): SNSSGTGKTS[Met1140Val]PSGDESIDEK